The following is an entry in ClinVar:

ClinVar aggregate classification (germline): Uncertain significance. Review status: criteria provided, multiple submitters, no conflicts (2 of 4 stars). 2 submissions from 2 submitters: Uncertain significance (2). Last evaluated 2025-05-13.

Allele frequency attached by ClinVar (database versions not stated): ExAC 0.00001; gnomAD exomes 0.00004 and 0.00005; gnomAD 0.00007 and 0.00009; TOPMed 0.00019.
gnomAD v4.1: 84 of 1,613,864 alleles (0.0052%); highest among the groups gnomAD compares: Admixed American, 0.022%; no homozygotes.

Submissions (2):

Labcorp Genetics (formerly Invitae), Labcorp
Classification: Uncertain significance. Last evaluated: 2025-05-13. Review status: criteria provided, single submitter. Criteria: Invitae Variant Classification Sherloc (09022015). Collection method: clinical testing. Allele origin: germline.
Comment: This sequence change replaces asparagine, which is neutral and polar, with serine, which is neutral and polar, at codon 375 of the RPS6KC1 protein (p.Asn375Ser). This variant is present in population databases (rs755203550, gnomAD 0.007%). This variant has not been reported in the literature in individuals affected with RPS6KC1-related conditions. ClinVar contains an entry for this variant (Variation ID: 1409477). An algorithm developed to predict the effect of missense changes on protein structure and function outputs the following: PolyPhen-2: "Benign". The serine amino acid residue is found in multiple mammalian species, which suggests that this missense change does not adversely affect protein function. In summary, the available evidence is currently insufficient to determine the role of this variant in disease. Therefore, it has been classified as a Variant of Uncertain Significance.

Ambry Genetics
Classification: Uncertain significance. Last evaluated: 2023-12-12. Review status: criteria provided, single submitter. Criteria: Ambry Variant Classification Scheme 2023. Collection method: clinical testing. Allele origin: germline.

NM_012424.6(RPS6KC1):c.1124A>G (p.Asn375Ser)

Gene: RPS6KC1 (ribosomal protein S6 kinase C1; plus strand). Cytogenetic location: 1q32.3.
Variant type: single nucleotide variant.
Coding change: c.1124A>G on transcript NM_012424.6 (MANE Select); coding-DNA position 1124, A replaced by G.
Protein change: p.Asn375Ser; replaces asparagine 375 with serine.
Molecular consequence: missense variant. On other transcripts: non-coding transcript variant (3), intron variant (11).
Genome position (GRCh38, 1-based): chr1:213,232,154, A>G. VCF-style: chr1-213232154-A-G. GRCh37 (hg19) VCF-style: chr1-213405497-A-G.
Other names: c.1088A>G, p.Asn363Ser (NM_001136138.4); c.488A>G, p.Asn163Ser (NM_001287218.3, NM_001287219.3, NM_001349654.2); c.581A>G, p.Asn194Ser (NM_001287221.3, NM_001349648.2, NM_001349649.2 and 4 more transcripts); c.1031A>G, p.Asn344Ser (NM_001349646.2); c.761A>G, p.Asn254Ser (NM_001349647.2); c.233A>G, p.Asn78Ser (NM_001349657.2, NM_001349658.2); c.68A>G, p.Asn23Ser (NM_001349659.2, NM_001349660.2, NM_001349661.2 and 1 more transcripts); c.-170-8548A>G (NM_001349669.2, NM_001349666.2, NM_001349664.2 and 8 more transcripts); and 1 more; short protein forms N163S, N194S, N363S, N78S, N23S, N344S, N375S, N254S.
Identifiers: ClinVar variation 1409477 (VCV001409477.7), dbSNP rs755203550, ClinGen allele CA1387398.
Genomic context (GRCh38, chr1:213,232,154, plus strand): 5'-ATACAACTGACCTTTTTGTTCTCTGTCAGGGTCTAAGGAAAAGCAGTGAATACAGCAGGA[A>G]CAGAAAGACCATCATCCCCCGCTGTGTGCCCAACATGGTGTGTCTGCATAAGTACATCAT-3'
Protein context (NP_036556.2, residues 365-385): GLRKSSEYSR[Asn375Ser]RKTIIPRCVP